The following is an entry in ClinVar:

NM_004656.4(BAP1):c.37+5G>C

Gene: BAP1 (BRCA1 associated deubiquitinase 1; minus strand). Cytogenetic location: 3p21.1.
Variant type: single nucleotide variant.
Coding change: c.37+5G>C on transcript NM_004656.4 (MANE Select); 5 bases into the intron after coding-DNA position 37, G replaced by C.
Molecular consequence: intron variant.
Genome position (GRCh38, 1-based): chr3:52,409,837, C>G on the plus strand (G>C on the coding strand, the complement: BAP1 is on the minus strand). VCF-style: chr3-52409837-C-G. GRCh37 (hg19) VCF-style: chr3-52443853-C-G.
Other names: c.37+5G>C (NM_004656.2).
Identifiers: ClinVar variation 574371 (VCV000574371.7), dbSNP rs1559593334, ClinGen allele CA891842666.

ClinVar aggregate classification (germline): Uncertain significance. Review status: criteria provided, multiple submitters, no conflicts (2 of 4 stars). 2 submissions from 2 submitters: Uncertain significance (2). Last evaluated 2026-06-25.

Conditions:
Hereditary cancer-predisposing syndrome. Also called: Neoplastic Syndromes, Hereditary; Hereditary Cancer Syndrome; Hereditary neoplastic syndrome; Tumor predisposition. Identifiers: Orphanet 140162, MedGen C0027672, MeSH D009386, MONDO:0015356.
BAP1-related tumor predisposition syndrome (TPDS1). Also called: BAP1 tumor predisposition syndrome; TUMOR PREDISPOSITION SYNDROME 1; Tumor susceptibility linked to germline BAP1 mutations; COMMON Syndrome. Identifiers: Orphanet 289539, MedGen C3280492, MONDO:0013692, OMIM 614327.

Allele frequency attached by ClinVar (database versions not stated): gnomAD exomes below 0.00001.
gnomAD v4.1: 4 of 1,612,396 alleles (0.00025%); highest among the groups gnomAD compares: Non-Finnish European, 0.00034%; no homozygotes.

Submissions (2):

Ambry Genetics
Classification: Uncertain significance for Hereditary cancer-predisposing syndrome. Last evaluated: 2026-06-25. Review status: criteria provided, single submitter. Criteria: Ambry Variant Classification Scheme 2023. Collection method: clinical testing. Allele origin: germline.
Comment: The c.37+5G>C intronic variant results from a G to C substitution 5 nucleotides after coding exon 1 in the BAP1 gene. This nucleotide position is highly conserved in available vertebrate species. In silico splice site analysis predicts that this alteration will not have any significant effect on splicing. Based on the available evidence, the clinical significance of this variant remains unclear.

Labcorp Genetics (formerly Invitae), Labcorp
Classification: Uncertain significance for BAP1-related tumor predisposition syndrome. Last evaluated: 2025-07-09. Review status: criteria provided, single submitter. Criteria: Invitae Variant Classification Sherloc (09022015). Collection method: clinical testing. Allele origin: germline.
Comment: This sequence change falls in intron 1 of the BAP1 gene. It does not directly change the encoded amino acid sequence of the BAP1 protein. It affects a nucleotide within the consensus splice site. This variant is not present in population databases (gnomAD no frequency). This variant has not been reported in the literature in individuals affected with BAP1-related conditions. ClinVar contains an entry for this variant (Variation ID: 574371). Variants that disrupt the consensus splice site are a relatively common cause of aberrant splicing (PMID: 17576681, 9536098). RNA analysis provides insufficient evidence to determine the effect of this variant on BAP1 splicing (internal data). In summary, the available evidence is currently insufficient to determine the role of this variant in disease. Therefore, it has been classified as a Variant of Uncertain Significance.

Literature cited by the submitters: PubMed 17576681 (cited by Labcorp Genetics (formerly Invitae), Labcorp); PubMed 9536098 (cited by Labcorp Genetics (formerly Invitae), Labcorp).